The following is an entry in ClinVar:

NM_000318.3(PEX2):c.826G>C (p.Val276Leu)

Gene: PEX2 (peroxisomal biogenesis factor 2; minus strand). Cytogenetic location: 8q21.13.
Variant type: single nucleotide variant.
Coding change: c.826G>C on transcript NM_000318.3 (MANE Select); coding-DNA position 826, G replaced by C.
Protein change: p.Val276Leu; replaces valine 276 with leucine.
Molecular consequence: missense variant.
Genome position (GRCh38, 1-based): chr8:76,983,353, C>G on the plus strand (G>C on the coding strand, the complement: PEX2 is on the minus strand). VCF-style: chr8-76983353-C-G. GRCh37 (hg19) VCF-style: chr8-77895589-C-G.
Other names: c.826G>C, p.Val276Leu (NM_001079867.2, NM_001172086.2, NM_001172087.2); short protein forms V276L.
Identifiers: ClinVar variation 500722 (VCV000500722.8), dbSNP rs746008519, ClinGen allele CA4788645.
Genomic context (GRCh38, chr8:76,983,353, plus strand): 5'-CTGATTTCAGTGGCTGCAGACTGTGTACTTCTGTGCCACACTTAGGACAAGTAAAGTACA[C>G]GTCAAATAAGAAACTACTCTTAGCACAGAAATAACAGAAAATATGCTCACATCCTATGGT-3'
Protein context (NP_000309.2, residues 266-286): FCAKSSFLFD[Val276Leu]YFTCPKCGTE

ClinVar aggregate classification (germline): Uncertain significance. Review status: criteria provided, multiple submitters, no conflicts (2 of 4 stars). 4 submissions from 4 submitters: Uncertain significance (3). 1 of the submissions does not count toward it. Last evaluated 2025-01-10.

Conditions:
Zellweger spectrum disorders (ZS). Also called: Zellweger Spectrum Disorder (ZSD); Zellweger Spectrum Disorder; Zellweger Spectrum; Zellweger syndrome. Identifiers: Orphanet 912, MedGen C0043459, MONDO:0019609.
Inborn genetic diseases. Identifiers: MedGen C0950123, MeSH D030342.
Peroxisome biogenesis disorder 5A (Zellweger) (PBD5A). Identifiers: Orphanet 912, MedGen C3553940, MONDO:0013932, OMIM 614866.

Allele frequency attached by ClinVar (database versions not stated): TOPMed 0.00003; gnomAD 0.00004.
gnomAD v4.1: 61 of 1,613,718 alleles (0.0038%); highest among the groups gnomAD compares: Non-Finnish European, 0.0048%; no homozygotes.

Submissions (4):

Ambry Genetics
Classification: Uncertain significance for Inborn genetic diseases. Last evaluated: 2025-01-10. Review status: criteria provided, single submitter. Criteria: Ambry Variant Classification Scheme 2023. Collection method: clinical testing. Allele origin: germline.

Labcorp Genetics (formerly Invitae), Labcorp
Classification: Uncertain significance for Peroxisome biogenesis disorder 5A (Zellweger). Last evaluated: 2022-07-30. Review status: criteria provided, single submitter. Criteria: Invitae Variant Classification Sherloc (09022015). Collection method: clinical testing. Allele origin: germline.
Comment: This sequence change replaces valine, which is neutral and non-polar, with leucine, which is neutral and non-polar, at codon 276 of the PEX2 protein (p.Val276Leu). This variant is present in population databases (rs746008519, gnomAD 0.008%). This variant has not been reported in the literature in individuals affected with PEX2-related conditions. ClinVar contains an entry for this variant (Variation ID: 500722). Algorithms developed to predict the effect of missense changes on protein structure and function (SIFT, PolyPhen-2, Align-GVGD) all suggest that this variant is likely to be tolerated. In summary, the available evidence is currently insufficient to determine the role of this variant in disease. Therefore, it has been classified as a Variant of Uncertain Significance.

Eurofins Ntd Llc (ga)
Classification: Uncertain significance. Last evaluated: 2017-03-10. Review status: criteria provided, single submitter. Criteria: EGL Classification Definitions 2015. Collection method: clinical testing. Allele origin: germline. Observed: 1 variant allele, 1 heterozygote.

Natera, Inc.
Classification: Uncertain significance for Zellweger syndrome. Last evaluated: 2019-10-28. Review status: no assertion criteria provided. Collection method: clinical testing. Allele origin: germline. Not counted in ClinVar's aggregate classification.